The following is an entry in ClinVar:

ClinVar aggregate classification (germline): Uncertain significance (1 of 4 stars; one submission).

Submission:

Labcorp Genetics (formerly Invitae), Labcorp
Classification: Uncertain significance. Last evaluated: 2022-08-22. Review status: criteria provided, single submitter. Criteria: Invitae Variant Classification Sherloc (09022015). Collection method: clinical testing. Allele origin: germline.
Comment: This variant results in a copy number gain of the genomic region encompassing exon(s) 2-8 of the NXN gene. This region includes the termination codon of the gene. This copy number gain extends beyond the assayed region for this gene and therefore may encompass additional genes. As the precise location of this event is unknown, it may be in tandem or it may be located elsewhere in the genome. This variant has not been reported in the literature in individuals affected with NXN-related conditions. Experimental studies and prediction algorithms are not available or were not evaluated, and the functional significance of this variant is currently unknown. In summary, the available evidence is currently insufficient to determine the role of this variant in disease. Therefore, it has been classified as a Variant of Uncertain Significance.

NC_000017.10:g.(?_704189)_(729338_?)dup

Gene: NXN (nucleoredoxin; minus strand). Cytogenetic location: 17p13.3.
Variant type: Duplication.
Identifiers: ClinVar variation 1430472 (VCV001430472.4).